The following is an entry in ClinVar:

NM_015202.5(KATNIP):c.3922G>A (p.Ala1308Thr)

Gene: KATNIP (katanin interacting protein; plus strand). Cytogenetic location: 16p12.1.
Variant type: single nucleotide variant.
Coding change: c.3922G>A on transcript NM_015202.5 (MANE Select); coding-DNA position 3922, G replaced by A.
Protein change: p.Ala1308Thr; replaces alanine 1308 with threonine.
Molecular consequence: missense variant.
Genome position (GRCh38, 1-based): chr16:27,766,421, G>A. VCF-style: chr16-27766421-G-A. GRCh37 (hg19) VCF-style: chr16-27777742-G-A.
Other names: short protein forms A1308T.
Identifiers: ClinVar variation 1682073 (VCV001682073.8), dbSNP rs112745362, ClinGen allele CA7978426.

ClinVar aggregate classification (germline): Uncertain significance (1 of 4 stars; one submission).

Allele frequency attached by ClinVar (database versions not stated): ExAC 0.00001; gnomAD exomes 0.00001; gnomAD 0.00003 and 0.00004; TOPMed 0.00003.
gnomAD v4.1: 27 of 1,613,928 alleles (0.0017%); highest among the groups gnomAD compares: African/African-American, 0.011%; no homozygotes.

Submission:

Labcorp Genetics (formerly Invitae), Labcorp
Classification: Uncertain significance. Last evaluated: 2024-08-29. Review status: criteria provided, single submitter. Criteria: Invitae Variant Classification Sherloc (09022015). Collection method: clinical testing. Allele origin: germline.
Comment: This sequence change replaces alanine, which is neutral and non-polar, with threonine, which is neutral and polar, at codon 1308 of the KIAA0556 protein (p.Ala1308Thr). This variant is present in population databases (rs112745362, gnomAD 0.0009%). This variant has not been reported in the literature in individuals affected with KIAA0556-related conditions. ClinVar contains an entry for this variant (Variation ID: 1682073). An algorithm developed to predict the effect of missense changes on protein structure and function outputs the following: PolyPhen-2: "Benign". The threonine amino acid residue is found in multiple mammalian species, which suggests that this missense change does not adversely affect protein function. In summary, the available evidence is currently insufficient to determine the role of this variant in disease. Therefore, it has been classified as a Variant of Uncertain Significance.